The following is an entry in ClinVar:

ClinVar aggregate classification (germline): Uncertain significance (1 of 4 stars; one submission).

Submission:

Labcorp Genetics (formerly Invitae), Labcorp
Classification: Uncertain significance. Last evaluated: 2024-02-22. Review status: criteria provided, single submitter. Criteria: Invitae Variant Classification Sherloc (09022015). Collection method: clinical testing. Allele origin: germline.
Comment: This sequence change replaces proline, which is neutral and non-polar, with alanine, which is neutral and non-polar, at codon 95 of the POLE2 protein (p.Pro95Ala). This variant is not present in population databases (gnomAD no frequency). This variant has not been reported in the literature in individuals affected with POLE2-related conditions. An algorithm developed to predict the effect of missense changes on protein structure and function (PolyPhen-2) suggests that this variant is likely to be disruptive. In summary, the available evidence is currently insufficient to determine the role of this variant in disease. Therefore, it has been classified as a Variant of Uncertain Significance.

NM_002692.4(POLE2):c.283C>G (p.Pro95Ala)

Gene: POLE2 (DNA polymerase epsilon 2, accessory subunit; minus strand). Cytogenetic location: 14q21.3.
Variant type: single nucleotide variant.
Coding change: c.283C>G on transcript NM_002692.4 (MANE Select); coding-DNA position 283, C replaced by G.
Protein change: p.Pro95Ala; replaces proline 95 with alanine.
Molecular consequence: missense variant. On other transcripts: intron variant (1).
Genome position (GRCh38, 1-based): chr14:49,674,390, G>C on the plus strand (C>G on the coding strand, the complement: POLE2 is on the minus strand). VCF-style: chr14-49674390-G-C. GRCh37 (hg19) VCF-style: chr14-50141108-G-C.
Other names: c.283C>G, p.Pro95Ala (NM_001197331.3, NM_001348384.2); c.52C>G, p.Pro18Ala (NM_001348385.2); c.246-174C>G (NM_001197330.2); short protein forms P95A, P18A.
Identifiers: ClinVar variation 3669013 (VCV003669013.2).